The following is an entry in ClinVar:

ClinVar aggregate classification (germline): Uncertain significance (1 of 4 stars; one submission).

Submission:

GeneDx
Classification: Uncertain significance. Last evaluated: 2016-10-12. Review status: criteria provided, single submitter. Criteria: GeneDx Variant Classification (06012015). Collection method: clinical testing. Allele origin: germline. Affected: yes.
Comment: The c.2932-3 C>G variant has not been published as a pathogenic variant, nor has it been reported as a benign variant to our knowledge. The c.2932-3 C>G variant was not observed in approximately 6500 individuals of European and African American ancestry in the NHLBI Exome Sequencing Project, indicating it is not a common benign variant in these populations. Several in-silico splice prediction models predict that c.2932-3 C>G creates a cryptic acceptor site which may supplant the natural acceptor site and lead to abnormal gene splicing. However, in the absence of RNA/functional studies, the actual effect of this sequence change in this individual is unknown. In summary, based on the currently available information, it is unclear whether this variant is a pathogenic variant or a rare benign variant.

NM_001374385.1(ATP8B1):c.2932-3C>G

Genes: ATP8B1 (ATPase phospholipid transporting 8B1; minus strand), ATP8B1-AS1 (ATP8B1 antisense RNA 1; plus strand). Cytogenetic location: 18q21.31.
Variant type: single nucleotide variant.
Coding change: c.2932-3C>G on transcript NM_001374385.1 (MANE Select); 3 bases into the intron before coding-DNA position 2932, C replaced by G.
Molecular consequence: intron variant.
Genome position (GRCh38, 1-based): chr18:57,654,078, G>C on the plus strand (C>G on the coding strand, the complement: ATP8B1 is on the minus strand). VCF-style: chr18-57654078-G-C. GRCh37 (hg19) VCF-style: chr18-55321310-G-C.
Other names: c.2932-3C>G (NM_005603.6); c.2782-3C>G (NM_001374386.1).
Identifiers: ClinVar variation 389643 (VCV000389643.2), dbSNP rs1057523495, ClinGen allele CA16608012.
Genomic context (GRCh38, chr18:57,654,078, plus strand): 5'-CGGGCAGGCTGGTGTACAGCACGTTGTAGAGGGTGATGAACCAATCCTCGTATGCAGTCT[G>C]TGAGGGGATGACAGAGGCTCCATGTCACCAACAAAGACACATGCCAGCCTAGTTAGCACA-3'